The following is an entry in ClinVar:

NM_005271.5(GLUD1):c.*355T>G

Gene: GLUD1 (glutamate dehydrogenase 1; minus strand). Cytogenetic location: 10q23.2.
Variant type: single nucleotide variant.
Coding change: c.*355T>G on transcript NM_005271.5 (MANE Select); 355 bases downstream of the stop codon, T replaced by G.
Molecular consequence: 3 prime UTR variant.
Genome position (GRCh38, 1-based): chr10:87,051,396, A>C on the plus strand (T>G on the coding strand, the complement: GLUD1 is on the minus strand). VCF-style: chr10-87051396-A-C. GRCh37 (hg19) VCF-style: chr10-88811153-A-C.
Other names: c.*355T>G (NM_001318900.1, NM_001318901.1, NM_001318902.1 and 3 more transcripts).
Identifiers: ClinVar variation 301385 (VCV000301385.5), dbSNP rs569595849, ClinGen allele CA10636363.

ClinVar aggregate classification (germline): Likely benign (1 of 4 stars; one submission).

Conditions:
Hyperinsulinism-hyperammonemia syndrome (HHF6). Identifiers: Orphanet 35878, MedGen C1847555, MONDO:0011717, OMIM 606762.

Allele frequency attached by ClinVar (database versions not stated): 1000 Genomes Project 30x 0.00062; 1000 Genomes Project 0.00080; TOPMed 0.00083.
gnomAD v4.1: 367 of 375,280 alleles (0.098%); highest among the groups gnomAD compares: Middle Eastern, 0.38%; 1 homozygote.

Submission:

Illumina Laboratory Services, Illumina
Classification: Likely benign for Hyperinsulinism-hyperammonemia syndrome. Last evaluated: 2018-01-13. Review status: criteria provided, single submitter. Criteria: ICSL Variant Classification Criteria 13 December 2019. Collection method: clinical testing. Allele origin: germline.
Comment: This variant was observed in the ICSL laboratory as part of a predisposition screen in an ostensibly healthy population. It had not been previously curated by ICSL or reported in the Human Gene Mutation Database (HGMD: prior to June 1st, 2018), and was therefore a candidate for classification through an automated scoring system. Utilizing variant allele frequency, disease prevalence and penetrance estimates, and inheritance mode, an automated score was calculated to assess if this variant is too frequent to cause the disease. Based on the score and internal cut-off values, a variant classified as likely benign is not then subjected to further curation. The score for this variant resulted in a classification of likely benign for this disease.